The following is an entry in ClinVar:

NM_000138.5(FBN1):c.3925dup (p.Met1309fs)

Gene: FBN1 (fibrillin 1; minus strand). Cytogenetic location: 15q21.1.
Variant type: Duplication.
Coding change: c.3925dup on transcript NM_000138.5 (MANE Select); coding-DNA position 3925, one base duplicated (A; older notation c.3925dupA).
Protein change: p.Met1309fs; shifts the reading frame from methionine 1309.
Molecular consequence: frameshift variant.
Genome position (GRCh38, 1-based): chr15:48,481,694, T duplicated on the plus strand (A on the coding strand, the reverse complement: FBN1 is on the minus strand). VCF-style (leftmost placement, unchanged base first): chr15-48481693-A-AT. GRCh37 (hg19) VCF-style: chr15-48773890-A-AT.
Other names: c.3925dup, p.Met1309fs (NM_001406716.1); short protein forms M1309fs.
Identifiers: ClinVar variation 2941431 (VCV002941431.3), dbSNP rs2505533405, ClinGen allele CA2740096704.
Genomic context (GRCh38, chr15:48,481,693, plus strand): 5'-TGTTCTACTTGAACAAACACACCTGTACAGCCAGTTTTTCCTTTTTTGCCGGAGTAGCCC[A>AT]TATCACAGTGGCAGATAAATGAGCCTTTCGTGTTTTCACAGGTCCCACTTAGGCAGATAT-3'

ClinVar aggregate classification (germline): Pathogenic (1 of 4 stars; one submission).

Conditions:
Marfan syndrome (MFS). Also called: MARFAN SYNDROME, TYPE I; Marfan syndrome type 1; Marfan's syndrome; Marfan syndrome, classic; FBN1-Related Marfan Syndrome. Identifiers: Orphanet 284963, Orphanet 558, MedGen C0024796, MONDO:0007947, OMIM 154700.
Familial thoracic aortic aneurysm and aortic dissection (TAAD). Also called: Thoracic aortic aneurysms and dissections. Identifiers: Orphanet 91387, MedGen C4707243, MONDO:0019625.

Submission:

Labcorp Genetics (formerly Invitae), Labcorp
Classification: Pathogenic for Marfan syndrome; Familial thoracic aortic aneurysm and aortic dissection. Last evaluated: 2022-11-09. Review status: criteria provided, single submitter. Criteria: Invitae Variant Classification Sherloc (09022015). Collection method: clinical testing. Allele origin: germline.
Comment: For these reasons, this variant has been classified as Pathogenic. This variant has not been reported in the literature in individuals affected with FBN1-related conditions. This variant is not present in population databases (gnomAD no frequency). This sequence change creates a premature translational stop signal (p.Met1309Asnfs*17) in the FBN1 gene. It is expected to result in an absent or disrupted protein product. Loss-of-function variants in FBN1 are known to be pathogenic (PMID: 17657824, 19293843).

Literature cited by the submitters: PubMed 17657824; PubMed 19293843.